The following is an entry in ClinVar:

ClinVar aggregate classification (germline): Benign (0 of 4 stars; one submission).

Conditions:
ZBTB25-related disorder. Also called: ZBTB25-related condition.

Allele frequency attached by ClinVar (database versions not stated): ESP Exome Variant Server 0.00062; gnomAD exomes 0.00469; gnomAD 0.00646; TOPMed 0.01169; ExAC 0.01223; 1000 Genomes Project 0.02077; 1000 Genomes Project 30x 0.02108.
gnomAD v4.1: 7,936 of 1,614,126 alleles (0.49%); highest among the groups gnomAD compares: East Asian, 6.8%; 276 homozygotes.

Submission:

PreventionGenetics, part of Exact Sciences
Classification: Benign for ZBTB25-related condition. Last evaluated: 2019-04-23. Review status: no assertion criteria provided. Collection method: clinical testing. Allele origin: germline.
Comment: This variant is classified as benign based on ACMG/AMP sequence variant interpretation guidelines (Richards et al. 2015 PMID: 25741868, with internal and published modifications).

NM_006977.5(ZBTB25):c.266T>C (p.Ile89Thr)

Gene: ZBTB25 (zinc finger and BTB domain containing 25; minus strand). Cytogenetic location: 14q23.3.
Variant type: single nucleotide variant.
Coding change: c.266T>C on transcript NM_006977.5 (MANE Select); coding-DNA position 266, T replaced by C.
Protein change: p.Ile89Thr; replaces isoleucine 89 with threonine.
Molecular consequence: missense variant. On other transcripts: intron variant (1).
Genome position (GRCh38, 1-based): chr14:64,487,965, A>G on the plus strand (T>C on the coding strand, the complement: ZBTB25 is on the minus strand). VCF-style: chr14-64487965-A-G. GRCh37 (hg19) VCF-style: chr14-64954683-A-G.
Other names: c.266T>C, p.Ile89Thr (NM_001304507.1, NM_001354683.2, NM_001354684.2 and 3 more transcripts); c.383T>C, p.Ile128Thr (NM_001354682.2); c.173+2396T>C (NM_001304508.1); short protein forms I128T, I89T.
Identifiers: ClinVar variation 3038119 (VCV003038119.2), dbSNP rs61742301, ClinGen allele CA7227122.